The following is an entry in ClinVar:

ClinVar aggregate classification (germline): Benign (1 of 4 stars; one submission).

Allele frequency attached by ClinVar (database versions not stated): 1000 Genomes Project 30x 0.42317; gnomAD 0.40250; TOPMed 0.44089; 1000 Genomes Project 0.42632.
gnomAD v4.1: 64,477 of 151,912 alleles (42%); highest among the groups gnomAD compares: Admixed American, 56%; 13,981 homozygotes.

Submission:

GeneDx
Classification: Benign. Last evaluated: 2018-06-14. Review status: criteria provided, single submitter. Criteria: GeneDx Variant Classification (06012015). Collection method: clinical testing. Allele origin: germline. Affected: yes.
Comment: This variant is considered likely benign or benign based on one or more of the following criteria: it is a conservative change, it occurs at a poorly conserved position in the protein, it is predicted to be benign by multiple in silico algorithms, and/or has population frequency not consistent with disease.

NM_032119.4(ADGRV1):c.2734+236G>C

Gene: ADGRV1 (adhesion G protein-coupled receptor V1; plus strand). Cytogenetic location: 5q14.3.
Variant type: single nucleotide variant.
Coding change: c.2734+236G>C on transcript NM_032119.4 (MANE Select); 236 bases into the intron after coding-DNA position 2734, G replaced by C.
Molecular consequence: intron variant.
Genome position (GRCh38, 1-based): chr5:90,644,219, G>C. VCF-style: chr5-90644219-G-C. GRCh37 (hg19) VCF-style: chr5-89940036-G-C.
Identifiers: ClinVar variation 678814 (VCV000678814.1), dbSNP rs2366775, ClinGen allele CA12157302.
Genomic context (GRCh38, chr5:90,644,219, plus strand): 5'-ATAGTATCGTGATGATACTGATGACTTCAGTTATATTTTGATACCATTTAAGCATATGCA[G>C]TGCAACTCAAACACTCAAGAATGAGTCCATCCAAATAGCGAGAACCTTAAAACTAAGAAC-3'